The following is an entry in ClinVar:

NM_198503.5(KCNT2):c.2911-16T>G

Gene: KCNT2 (potassium sodium-activated channel subfamily T member 2; minus strand). Cytogenetic location: 1q31.3.
Variant type: single nucleotide variant.
Coding change: c.2911-16T>G on transcript NM_198503.5 (MANE Select); 16 bases into the intron before coding-DNA position 2911, T replaced by G.
Molecular consequence: intron variant.
Genome position (GRCh38, 1-based): chr1:196,258,510, A>C on the plus strand (T>G on the coding strand, the complement: KCNT2 is on the minus strand). VCF-style: chr1-196258510-A-C. GRCh37 (hg19) VCF-style: chr1-196227640-A-C.
Other names: c.2710-16T>G (NM_001287820.3); c.2839-16T>G (NM_001287819.3).
Identifiers: ClinVar variation 5009071 (VCV005009071.1).

ClinVar aggregate classification (germline): Uncertain significance (1 of 4 stars; one submission).

Submission:

GeneDx
Classification: Uncertain significance. Last evaluated: 2026-03-12. Review status: criteria provided, single submitter. Criteria: GeneDx Variant Classification Process June 2021. Collection method: clinical testing. Allele origin: germline.
Comment: Not observed at significant frequency in large population cohorts (gnomAD); In silico analysis supports a deleterious effect on splicing; Has not been previously published as pathogenic or benign to our knowledge